The following is an entry in ClinVar:

ClinVar aggregate classification (germline): Uncertain significance (1 of 4 stars; one submission).

Conditions:
Malignant hyperthermia, susceptibility to, 1 (MHS1). Also called: Anesthesia related hyperthermia; Malignant hyperpyrexia; Fulminating hyperpyrexia; Pharmacogenic myopathy; Malignant hyperthermia suceptibility 1; RYR1-Related Malignant Hyperthermia Susceptibility. Identifiers: Orphanet 423, MedGen C2930980, MONDO:0007783, OMIM 145600.

gnomAD v4.1: 1 of 1,613,922 alleles (0.000062%); highest among the groups gnomAD compares: Non-Finnish European, 0.000085%; no homozygotes.

Submission:

All of Us Research Program, National Institutes of Health
Classification: Uncertain significance for Malignant hyperthermia, susceptibility to, 1. Last evaluated: 2024-09-23. Review status: criteria provided, single submitter. Criteria: ACMG Guidelines, 2015. Collection method: clinical testing. Allele origin: germline. Inheritance: Autosomal dominant inheritance. Observed: 1 variant allele, 1 heterozygote.
Comment: This study involves interpretation of variants in research participants for the purpose of population health screening. Participant phenotype was not available at the time of variant classification. Additional details can be found in publication PMID: 35346344, PMCID: PMC8962531

NM_000540.3(RYR1):c.11971T>C (p.Phe3991Leu)

Gene: RYR1 (ryanodine receptor 1; plus strand). Cytogenetic location: 19q13.2.
Variant type: single nucleotide variant.
Coding change: c.11971T>C on transcript NM_000540.3 (MANE Select); coding-DNA position 11971, T replaced by C.
Protein change: p.Phe3991Leu; replaces phenylalanine 3991 with leucine.
Molecular consequence: missense variant.
Genome position (GRCh38, 1-based): chr19:38,543,834, T>C. VCF-style: chr19-38543834-T-C. GRCh37 (hg19) VCF-style: chr19-39034474-T-C.
Other names: c.11956T>C, p.Phe3986Leu (NM_001042723.2); short protein forms F3986L, F3991L.
Identifiers: ClinVar variation 3385572 (VCV003385572.1).